The following is an entry in ClinVar:

NM_014629.4(ARHGEF10):c.717A>G (p.Glu239=)

Gene: ARHGEF10 (Rho guanine nucleotide exchange factor 10; plus strand). Cytogenetic location: 8p23.3.
Variant type: single nucleotide variant.
Coding change: c.717A>G on transcript NM_014629.4 (MANE Select); coding-DNA position 717, A replaced by G.
Protein change: p.Glu239=; no amino-acid change (glutamic acid 239 retained).
Molecular consequence: synonymous variant.
Genome position (GRCh38, 1-based): chr8:1,876,608, A>G. VCF-style: chr8-1876608-A-G. GRCh37 (hg19) VCF-style: chr8-1824774-A-G.
Other names: c.720A>G, p.Glu240= (NM_001308152.2, NM_001308153.3).
Identifiers: ClinVar variation 2018291 (VCV002018291.4), dbSNP rs2537119755, ClinGen allele CA459049662.

ClinVar aggregate classification (germline): Uncertain significance (1 of 4 stars; one submission).

Submission:

Labcorp Genetics (formerly Invitae), Labcorp
Classification: Uncertain significance. Last evaluated: 2022-07-20. Review status: criteria provided, single submitter. Criteria: Invitae Variant Classification Sherloc (09022015). Collection method: clinical testing. Allele origin: germline.
Comment: In summary, the available evidence is currently insufficient to determine the role of this variant in disease. Therefore, it has been classified as a Variant of Uncertain Significance. Algorithms developed to predict the effect of sequence changes on RNA splicing suggest that this variant may disrupt the consensus splice site. This variant has not been reported in the literature in individuals affected with ARHGEF10-related conditions. This variant is not present in population databases (gnomAD no frequency). This sequence change affects codon 239 of the ARHGEF10 mRNA. It is a 'silent' change, meaning that it does not change the encoded amino acid sequence of the ARHGEF10 protein.